The following is an entry in ClinVar:

NM_001243133.2(NLRP3):c.3067A>C (p.Lys1023Gln)

Gene: NLRP3 (NLR family pyrin domain containing 3; plus strand). Cytogenetic location: 1q44.
Variant type: single nucleotide variant.
Coding change: c.3067A>C on transcript NM_001243133.2 (MANE Select); coding-DNA position 3067, A replaced by C.
Protein change: p.Lys1023Gln; replaces lysine 1023 with glutamine.
Molecular consequence: missense variant.
Genome position (GRCh38, 1-based): chr1:247,448,466, A>C. VCF-style: chr1-247448466-A-C. GRCh37 (hg19) VCF-style: chr1-247611768-A-C.
Other names: c.3067A>C, p.Lys1023Gln (NM_001079821.3); c.2896A>C, p.Lys966Gln (NM_001127461.3, NM_001127462.3); c.3073A>C, p.Lys1025Gln (NM_004895.5); c.2725A>C, p.Lys909Gln (NM_183395.3); short protein forms K1025Q, K909Q, K966Q, K1023Q.
Identifiers: ClinVar variation 3583486 (VCV003583486.3).

ClinVar aggregate classification (germline): Uncertain significance. Review status: criteria provided, multiple submitters, no conflicts (2 of 4 stars). 3 submissions from 3 submitters: Uncertain significance (3). Last evaluated 2025-09-05.

Conditions:
Familial amyloid nephropathy with urticaria AND deafness (MWS). Also called: UDA SYNDROME; URTICARIA-DEAFNESS-AMYLOIDOSIS SYNDROME; MUCKLE-WELLS SYNDROME; Urticaria, deafness and amyloidosis; CRYOPYRIN-ASSOCIATED PERIODIC SYNDROME 2. Identifiers: Orphanet 575, MedGen C0268390, MONDO:0008633, OMIM 191900.
Chronic infantile neurological, cutaneous and articular syndrome (CINCA). Also called: CHRONIC NEUROLOGIC CUTANEOUS AND ARTICULAR SYNDROME; CINCA syndrome; Prieur Griscelli syndrome; CRYOPYRIN-ASSOCIATED PERIODIC SYNDROME 3. Identifiers: Orphanet 1451, MedGen C0409818, MONDO:0011776, OMIM 607115.
Hearing loss, autosomal dominant 34, with or without inflammation. Also called: DEAFNESS, AUTOSOMAL DOMINANT 34, WITH OR WITHOUT INFLAMMATION. Identifiers: MedGen C4521680, MONDO:0033261, OMIM 617772.
Familial cold autoinflammatory syndrome 1 (FCAS1). Also called: CRYOPYRIN-ASSOCIATED PERIODIC SYNDROME 1; Familial cold inflammatory syndrome 1. Identifiers: Orphanet 47045, MedGen C4551895, MONDO:0007349, OMIM 120100.
Keratitis fugax hereditaria. Also called: KERATOENDOTHELIITIS FUGAX HEREDITARIA. Identifiers: Orphanet 647815, MedGen C1835697, MONDO:0007849, OMIM 148200.
Inborn genetic diseases. Identifiers: MedGen C0950123, MeSH D030342.
Cryopyrin associated periodic syndrome (CAPS). Identifiers: Orphanet 208650, MedGen C2316212, MONDO:0016168.

gnomAD v4.1: 3 of 1,613,556 alleles (0.00019%); highest among the groups gnomAD compares: African/African-American, 0.0027%; no homozygotes.

Submissions (3):

Labcorp Genetics (formerly Invitae), Labcorp
Classification: Uncertain significance for Cryopyrin associated periodic syndrome. Last evaluated: 2025-09-05. Review status: criteria provided, single submitter. Criteria: Invitae Variant Classification Sherloc (09022015). Collection method: clinical testing. Allele origin: germline.
Comment: This sequence change replaces lysine, which is basic and polar, with glutamine, which is neutral and polar, at codon 1025 of the NLRP3 protein (p.Lys1025Gln). This variant is not present in population databases (gnomAD no frequency). This variant has not been reported in the literature in individuals affected with NLRP3-related conditions. ClinVar contains an entry for this variant (Variation ID: 3583486). Invitae Evidence Modeling of protein sequence and biophysical properties (such as structural, functional, and spatial information, amino acid conservation, physicochemical variation, residue mobility, and thermodynamic stability) has been performed for this missense variant. However, the output from this modeling did not meet the statistical confidence thresholds required to predict the impact of this variant on NLRP3 protein function. In summary, the available evidence is currently insufficient to determine the role of this variant in disease. Therefore, it has been classified as a Variant of Uncertain Significance.

Ambry Genetics
Classification: Uncertain significance for Inborn genetic diseases. Last evaluated: 2025-08-05. Review status: criteria provided, single submitter. Criteria: Ambry Variant Classification Scheme 2023. Collection method: clinical testing. Allele origin: germline.

Fulgent Genetics
Classification: Uncertain significance for Familial cold autoinflammatory syndrome 1; Keratitis fugax hereditaria; Familial amyloid nephropathy with urticaria AND deafness; Chronic infantile neurological, cutaneous and articular syndrome; Hearing loss, autosomal dominant 34, with or without inflammation. Last evaluated: 2024-03-13. Review status: criteria provided, single submitter. Criteria: ACMG Guidelines, 2015. Collection method: clinical testing. Allele origin: germline.